The following is an entry in ClinVar:

ClinVar aggregate classification (germline): Uncertain significance (1 of 4 stars; one submission).

Allele frequency attached by ClinVar (database versions not stated): gnomAD 0.00001; gnomAD exomes 0.00001; TOPMed 0.00001; ESP Exome Variant Server 0.00008.
gnomAD v4.1: 18 of 1,545,850 alleles (0.0012%); highest among the groups gnomAD compares: Non-Finnish European, 0.0016%; no homozygotes.

Submission:

GeneDx
Classification: Uncertain significance. Last evaluated: 2023-05-04. Review status: criteria provided, single submitter. Criteria: GeneDx Variant Classification Process June 2021. Collection method: clinical testing. Allele origin: germline. Affected: yes.
Comment: Has not been previously published as pathogenic or benign to our knowledge; Not observed at significant frequency in large population cohorts (gnomAD); In silico analysis supports that this missense variant has a deleterious effect on protein structure/function

NM_001365276.2(TNXB):c.4005G>T (p.Arg1335Ser)

Gene: TNXB (tenascin XB; minus strand). Cytogenetic location: 6p21.33.
Variant type: single nucleotide variant.
Coding change: c.4005G>T on transcript NM_001365276.2 (MANE Select); coding-DNA position 4005, G replaced by T.
Protein change: p.Arg1335Ser; replaces arginine 1335 with serine.
Molecular consequence: missense variant.
Genome position (GRCh38, 1-based): chr6:32,081,405, C>A on the plus strand (G>T on the coding strand, the complement: TNXB is on the minus strand). VCF-style: chr6-32081405-C-A. GRCh37 (hg19) VCF-style: chr6-32049182-C-A.
Other names: c.4005G>T, p.Arg1335Ser (NM_019105.8); short protein forms R1335S.
Identifiers: ClinVar variation 2501966 (VCV002501966.1), dbSNP rs376857127, ClinGen allele CA136896222.